The following is an entry in ClinVar:

NM_018006.5(TRMU):c.656T>C (p.Met219Thr)

Gene: TRMU (tRNA mitochondrial 2-thiouridylase; plus strand). Cytogenetic location: 22q13.31.
Variant type: single nucleotide variant.
Coding change: c.656T>C on transcript NM_018006.5 (MANE Select); coding-DNA position 656, T replaced by C.
Protein change: p.Met219Thr; replaces methionine 219 with threonine.
Molecular consequence: missense variant. On other transcripts: non-coding transcript variant (2).
Genome position (GRCh38, 1-based): chr22:46,352,125, T>C. VCF-style: chr22-46352125-T-C. GRCh37 (hg19) VCF-style: chr22-46748022-T-C.
Other names: c.314T>C, p.Met105Thr (NM_001282782.2); c.236T>C, p.Met79Thr (NM_001282783.2, NM_001282784.2); c.656T>C, p.Met219Thr (NM_001282785.2); short protein forms M105T, M219T, M79T.
Identifiers: ClinVar variation 3355810 (VCV003355810.1).
Genomic context (GRCh38, chr22:46,352,125, plus strand): 5'-CAGCTTGGGCCACCGCCACTTCTGCTCCTCTCACGGCTGCCGTCTTCTCATTTCAGAGCA[T>C]GGGCATGTGTTTCATCGGGAAGAGGAATTTTGAACATTTCCTTCTTCAGGTGCGTGCTGC-3'
Protein context (NP_060476.2, residues 209-229): LHHVLQKKES[Met219Thr]GMCFIGKRNF

ClinVar aggregate classification (germline): Uncertain significance (0 of 4 stars; one submission).

Conditions:
TRMU-related disorder. Also called: TRMU-related condition.

gnomAD v4.1: 9 of 1,613,318 alleles (0.00056%); highest among the groups gnomAD compares: East Asian, 0.0089%; no homozygotes.

Submission:

PreventionGenetics, part of Exact Sciences
Classification: Uncertain significance for TRMU-related condition. Last evaluated: 2024-04-25. Review status: no assertion criteria provided. Collection method: clinical testing. Allele origin: germline.
Comment: The TRMU c.656T>C variant is predicted to result in the amino acid substitution p.Met219Thr. To our knowledge, this variant has not been reported in the literature. This variant is reported in 0.016% of alleles in individuals of East Asian descent in gnomAD. At this time, the clinical significance of this variant is uncertain due to the absence of conclusive functional and genetic evidence.